The following is an entry in ClinVar:

NM_014727.3(KMT2B):c.7136A>T (p.Glu2379Val)

Gene: KMT2B (lysine methyltransferase 2B; plus strand). Cytogenetic location: 19q13.12.
Variant type: single nucleotide variant.
Coding change: c.7136A>T on transcript NM_014727.3 (MANE Select); coding-DNA position 7136, A replaced by T.
Protein change: p.Glu2379Val; replaces glutamic acid 2379 with valine.
Molecular consequence: missense variant.
Genome position (GRCh38, 1-based): chr19:35,733,849, A>T. VCF-style: chr19-35733849-A-T. GRCh37 (hg19) VCF-style: chr19-36224750-A-T.
Other names: short protein forms E2379V.
Identifiers: ClinVar variation 2907824 (VCV002907824.3), dbSNP rs775831687, ClinGen allele CA9385863.

ClinVar aggregate classification (germline): Uncertain significance (1 of 4 stars; one submission).

Allele frequency attached by ClinVar (database versions not stated): gnomAD exomes below 0.00001; ExAC 0.00001; gnomAD 0.00002; TOPMed 0.00002.
gnomAD v4.1: 5 of 1,613,330 alleles (0.00031%); highest among the groups gnomAD compares: Non-Finnish European, 0.00042%; no homozygotes.

Submission:

Labcorp Genetics (formerly Invitae), Labcorp
Classification: Uncertain significance. Last evaluated: 2024-08-11. Review status: criteria provided, single submitter. Criteria: Invitae Variant Classification Sherloc (09022015). Collection method: clinical testing. Allele origin: germline.
Comment: This sequence change replaces glutamic acid, which is acidic and polar, with valine, which is neutral and non-polar, at codon 2379 of the KMT2B protein (p.Glu2379Val). This variant is present in population databases (rs775831687, gnomAD 0.0009%). This variant has not been reported in the literature in individuals affected with KMT2B-related conditions. Advanced modeling of protein sequence and biophysical properties (such as structural, functional, and spatial information, amino acid conservation, physicochemical variation, residue mobility, and thermodynamic stability) performed at Invitae indicates that this missense variant is not expected to disrupt KMT2B protein function with a negative predictive value of 80%. In summary, the available evidence is currently insufficient to determine the role of this variant in disease. Therefore, it has been classified as a Variant of Uncertain Significance.